The following is an entry in ClinVar:

NM_199420.4(POLQ):c.5717G>A (p.Cys1906Tyr)

Gene: POLQ (DNA polymerase theta; minus strand). Cytogenetic location: 3q13.33.
Variant type: single nucleotide variant.
Coding change: c.5717G>A on transcript NM_199420.4 (MANE Select); coding-DNA position 5717, G replaced by A.
Protein change: p.Cys1906Tyr; replaces cysteine 1906 with tyrosine.
Molecular consequence: missense variant.
Genome position (GRCh38, 1-based): chr3:121,485,097, C>T on the plus strand (G>A on the coding strand, the complement: POLQ is on the minus strand). VCF-style: chr3-121485097-C-T. GRCh37 (hg19) VCF-style: chr3-121203944-C-T.
Other names: short protein forms C1906Y.
Identifiers: ClinVar variation 1749266 (VCV001749266.3), dbSNP rs758624868, ClinGen allele CA81831999.

ClinVar aggregate classification (germline): Uncertain significance (1 of 4 stars; one submission).

Allele frequency attached by ClinVar (database versions not stated): gnomAD exomes 0.00001; TOPMed 0.00002; gnomAD 0.00003.
gnomAD v4.1: 16 of 1,612,958 alleles (0.00099%); highest among the groups gnomAD compares: Non-Finnish European, 0.0014%; no homozygotes.

Submission:

Ambry Genetics
Classification: Uncertain significance. Last evaluated: 2024-10-12. Review status: criteria provided, single submitter. Criteria: Ambry Variant Classification Scheme 2023. Collection method: clinical testing. Allele origin: germline.
Comment: The p.C1906Y variant (also known as c.5717G>A), located in coding exon 17 of the POLQ gene, results from a G to A substitution at nucleotide position 5717. The cysteine at codon 1906 is replaced by tyrosine, an amino acid with highly dissimilar properties. This amino acid position is conserved. In addition, this alteration is predicted to be deleterious by in silico analysis. Since supporting evidence is limited at this time, the clinical significance of this alteration remains unclear.